The following is an entry in ClinVar:

ClinVar aggregate classification (germline): Uncertain significance. Review status: criteria provided, multiple submitters, no conflicts (2 of 4 stars). 2 submissions from 2 submitters: Uncertain significance (2). Last evaluated 2024-09-30.

Conditions:
Cardiovascular phenotype. Identifiers: MedGen CN230736.

Allele frequency attached by ClinVar (database versions not stated): gnomAD 0.00001; TOPMed 0.00001; gnomAD exomes 0.00003; ExAC 0.00007.
gnomAD v4.1: 37 of 1,560,408 alleles (0.0024%); highest among the groups gnomAD compares: Non-Finnish European, 0.0031%; no homozygotes.

Submissions (2):

Ambry Genetics
Classification: Uncertain significance for Cardiovascular phenotype. Last evaluated: 2024-09-30. Review status: criteria provided, single submitter. Criteria: Ambry Variant Classification Scheme 2023. Collection method: clinical testing. Allele origin: germline.
Comment: The p.S10C variant (also known as c.29C>G), located in coding exon 1 of the TNXB gene, results from a C to G substitution at nucleotide position 29. The serine at codon 10 is replaced by cysteine, an amino acid with dissimilar properties. This amino acid position is conserved. In addition, this alteration is predicted to be tolerated by in silico analysis. Since supporting evidence is limited at this time, the clinical significance of this alteration remains unclear.

Mayo Clinic Laboratories, Mayo Clinic
Classification: Uncertain significance. Last evaluated: 2024-04-05. Review status: criteria provided, single submitter. Criteria: ACMG Guidelines, 2015. Collection method: clinical testing. Allele origin: germline. Observed: 1 variant allele.
Comment: BP4

NM_001365276.2(TNXB):c.29C>G (p.Ser10Cys)

Gene: TNXB (tenascin XB; minus strand). Cytogenetic location: 6p21.33.
Variant type: single nucleotide variant.
Coding change: c.29C>G on transcript NM_001365276.2 (MANE Select); coding-DNA position 29, C replaced by G.
Protein change: p.Ser10Cys; replaces serine 10 with cysteine.
Molecular consequence: missense variant.
Genome position (GRCh38, 1-based): chr6:32,098,170, G>C on the plus strand (C>G on the coding strand, the complement: TNXB is on the minus strand). VCF-style: chr6-32098170-G-C. GRCh37 (hg19) VCF-style: chr6-32065947-G-C.
Other names: p.Ser10Cys; c.29C>G, p.Ser10Cys (NM_019105.8); short protein forms S10C.
Identifiers: ClinVar variation 1798632 (VCV001798632.4), dbSNP rs747624258, ClinGen allele CA3735924.